The following is an entry in ClinVar:

ClinVar aggregate classification (germline): Uncertain significance (1 of 4 stars; one submission).

Allele frequency attached by ClinVar (database versions not stated): gnomAD 0.00003; TOPMed 0.00003; 1000 Genomes Project 30x 0.00016.

Submission:

Ambry Genetics
Classification: Uncertain significance. Last evaluated: 2023-08-30. Review status: criteria provided, single submitter. Criteria: Ambry Variant Classification Scheme 2023. Collection method: clinical testing. Allele origin: germline.
Comment: The p.N342S variant (also known as c.1025A>G), located in coding exon 12 of the NPAT gene, results from an A to G substitution at nucleotide position 1025. The asparagine at codon 342 is replaced by serine, an amino acid with highly similar properties. This amino acid position is conserved. In addition, this alteration is predicted to be tolerated by in silico analysis. Since supporting evidence is limited at this time, the clinical significance of this alteration remains unclear.

NM_002519.3(NPAT):c.1025A>G (p.Asn342Ser)

Gene: NPAT (nuclear protein, coactivator of histone transcription; minus strand). Cytogenetic location: 11q22.3.
Variant type: single nucleotide variant.
Coding change: c.1025A>G on transcript NM_002519.3 (MANE Select); coding-DNA position 1025, A replaced by G.
Protein change: p.Asn342Ser; replaces asparagine 342 with serine.
Molecular consequence: missense variant.
Genome position (GRCh38, 1-based): chr11:108,176,353, T>C on the plus strand (A>G on the coding strand, the complement: NPAT is on the minus strand). VCF-style: chr11-108176353-T-C. GRCh37 (hg19) VCF-style: chr11-108047080-T-C.
Other names: c.1025A>G, p.Asn342Ser (NM_001321307.1); short protein forms N342S.
Identifiers: ClinVar variation 1769266 (VCV001769266.3), dbSNP rs1443055618, ClinGen allele CA382516992.
Genomic context (GRCh38, chr11:108,176,353, plus strand): 5'-TCTGCTAAGACTATACTGGGATTGGATTCCATAGGTTGACTGGAAATACTTTGTGATATA[T>C]TTTTATTATTCTTTGTTTTGCCTGTTAAAAAGGGAATATGGAAATAATTAAATGACCAAA-3'
Protein context (NP_002510.2, residues 332-352): FDYGKTKNNK[Asn342Ser]ISQSISSQPM